The following is an entry in ClinVar:

ClinVar aggregate classification (germline): Uncertain significance. Review status: criteria provided, multiple submitters, no conflicts (2 of 4 stars). 2 submissions from 2 submitters: Uncertain significance (2). Last evaluated 2022-09-06.

Conditions:
Metachromatic leukodystrophy (MLD). Also called: ARSA DEFICIENCY; CEREBROSIDE SULFATASE DEFICIENCY; METACHROMATIC LEUKOENCEPHALOPATHY; SULFATIDE LIPIDOSIS; Cerebral sclerosis diffuse metachromatic form; Arylsulfatase A Deficiency. Identifiers: Orphanet 512, MedGen C0023522, MONDO:0018868, OMIM 250100.

Allele frequency attached by ClinVar (database versions not stated): gnomAD 0.00001; TOPMed 0.00001.

Submissions (2):

Labcorp Genetics (formerly Invitae), Labcorp
Classification: Uncertain significance for Metachromatic leukodystrophy. Last evaluated: 2022-09-06. Review status: criteria provided, single submitter. Criteria: Invitae Variant Classification Sherloc (09022015). Collection method: clinical testing. Allele origin: germline.
Comment: This sequence change replaces leucine, which is neutral and non-polar, with phenylalanine, which is neutral and non-polar, at codon 9 of the ARSA protein (p.Leu9Phe). This variant is present in population databases (no rsID available, gnomAD 0.008%). This variant has not been reported in the literature in individuals affected with ARSA-related conditions. ClinVar contains an entry for this variant (Variation ID: 342240). Algorithms developed to predict the effect of missense changes on protein structure and function (SIFT, PolyPhen-2, Align-GVGD) all suggest that this variant is likely to be tolerated. In summary, the available evidence is currently insufficient to determine the role of this variant in disease. Therefore, it has been classified as a Variant of Uncertain Significance.

Illumina Laboratory Services, Illumina
Classification: Uncertain significance for Metachromatic leukodystrophy. Last evaluated: 2018-01-12. Review status: criteria provided, single submitter. Criteria: ICSL Variant Classification Criteria 13 December 2019. Collection method: clinical testing. Allele origin: germline.

NM_000487.6(ARSA):c.25C>T (p.Leu9Phe)

Gene: ARSA (arylsulfatase A; minus strand). Cytogenetic location: 22q13.33.
Variant type: single nucleotide variant.
Coding change: c.25C>T on transcript NM_000487.6 (MANE Select); coding-DNA position 25, C replaced by T.
Protein change: p.Leu9Phe; replaces leucine 9 with phenylalanine.
Molecular consequence: missense variant. On other transcripts: intron variant (2).
Genome position (GRCh38, 1-based): chr22:50,627,755, G>A on the plus strand (C>T on the coding strand, the complement: ARSA is on the minus strand). VCF-style: chr22-50627755-G-A. GRCh37 (hg19) VCF-style: chr22-51066183-G-A.
Other names: c.-35+191C>T (NM_001085428.3); c.25C>T, p.Leu9Phe (NM_001085425.3, NM_001085426.3, NM_001085427.3); c.-35+236C>T (NM_001362782.2); short protein forms L9F.
Identifiers: ClinVar variation 342240 (VCV000342240.11), dbSNP rs886057658, ClinGen allele CA10645805.